The following is an entry in ClinVar:

ClinVar aggregate classification (germline): Uncertain significance (1 of 4 stars; one submission).

Conditions:
SHORT syndrome. Also called: LIPODYSTROPHY, PARTIAL, WITH RIEGER ANOMALY AND SHORT STATURE; PIK3R1-Related SHORT Syndrome; SHORT STATURE, HYPEREXTENSIBILITY, HERNIA, OCULAR DEPRESSION, RIEGER ANOMALY, AND TEETHING DELAY. Identifiers: Orphanet 3163, MedGen C0878684, MONDO:0010026, OMIM 269880.
Agammaglobulinemia 7, autosomal recessive (AGM7). Also called: AGAMMAGLOBULINEMIA, AUTOSOMAL RECESSIVE, DUE TO PIK3R1 DEFECT. Identifiers: MedGen C3554689, MONDO:0014083, OMIM 615214.
Immunodeficiency 36 with lymphoproliferation. Also called: Immunodeficiency 36; ACTIVATED PI3K-DELTA SYNDROME 2; Activated PI3K Delta Syndrome Type 2 (APDS2). Identifiers: Orphanet 397596, Orphanet 693681, MedGen C4014934, MONDO:0014453, OMIM 616005.

Submission:

Labcorp Genetics (formerly Invitae), Labcorp
Classification: Uncertain significance for SHORT syndrome; Immunodeficiency 36 with lymphoproliferation; Agammaglobulinemia 7, autosomal recessive. Last evaluated: 2022-12-27. Review status: criteria provided, single submitter. Criteria: Invitae Variant Classification Sherloc (09022015). Collection method: clinical testing. Allele origin: germline.
Comment: This sequence change falls in intron 2 of the PIK3R1 gene. It does not directly change the encoded amino acid sequence of the PIK3R1 protein. It affects a nucleotide within the consensus splice site. In summary, the available evidence is currently insufficient to determine the role of this variant in disease. Therefore, it has been classified as a Variant of Uncertain Significance. Variants that disrupt the consensus splice site are a relatively common cause of aberrant splicing (PMID: 17576681, 9536098). Algorithms developed to predict the effect of sequence changes on RNA splicing suggest that this variant is not likely to affect RNA splicing. This variant has not been reported in the literature in individuals affected with PIK3R1-related conditions. This variant is not present in population databases (gnomAD no frequency).

Literature cited by the submitters: PubMed 17576681; PubMed 9536098.

NM_181523.3(PIK3R1):c.335-3C>T

Gene: PIK3R1 (phosphoinositide-3-kinase regulatory subunit 1; plus strand). Cytogenetic location: 5q13.1.
Variant type: single nucleotide variant.
Coding change: c.335-3C>T on transcript NM_181523.3 (MANE Select); 3 bases into the intron before coding-DNA position 335, C replaced by T.
Molecular consequence: intron variant.
Genome position (GRCh38, 1-based): chr5:68,273,387, C>T. VCF-style: chr5-68273387-C-T. GRCh37 (hg19) VCF-style: chr5-67569215-C-T.
Identifiers: ClinVar variation 2942741 (VCV002942741.3), dbSNP rs2112164249, ClinGen allele CA2578326514.